The following is an entry in ClinVar:

ClinVar aggregate classification (germline): Uncertain significance (0 of 4 stars; one submission).

Conditions:
GNAS-related disorder. Identifiers: MedGen CN380105.

gnomAD v4.1: 10 of 1,613,570 alleles (0.00062%); highest among the groups gnomAD compares: Admixed American, 0.0017%; no homozygotes.

Submission:

PreventionGenetics, part of Exact Sciences
Classification: Uncertain significance for GNAS-related condition. Last evaluated: 2024-09-07. Review status: no assertion criteria provided. Collection method: clinical testing. Allele origin: germline.
Comment: The GNAS c.1825C>T variant is predicted to result in the amino acid substitution p.Arg609Cys. To our knowledge, this variant has not been reported in the literature. This variant is reported in 0.0018% of alleles in individuals of European (Non-Finnish) descent in gnomAD. At this time, the clinical significance of this variant is uncertain due to the absence of conclusive functional and genetic evidence.

NM_080425.4(GNAS):c.1825C>T (p.Arg609Cys)

Gene: GNAS (GNAS complex locus; plus strand). Cytogenetic location: 20q13.32.
Variant type: single nucleotide variant.
Coding change: c.1825C>T on transcript NM_080425.4 (MANE Plus Clinical); coding-DNA position 1825, C replaced by T.
Protein change: p.Arg609Cys; replaces arginine 609 with cysteine.
Molecular consequence: missense variant. On other transcripts: synonymous variant (2), intron variant (3).
Genome position (GRCh38, 1-based): chr20:58,855,090, C>T. VCF-style: chr20-58855090-C-T. GRCh37 (hg19) VCF-style: chr20-57430145-C-T.
Other names: c.1638C>T, p.Ser546= (NM_001077490.3, NM_001309883.1); c.1825C>T, p.Arg609Cys (NM_001410913.1); c.*42+14204C>T (NM_016592.5); c.43+14204C>T (NM_001410912.1); c.-39+13215C>T (NM_001309861.2); short protein forms R609C.
Identifiers: ClinVar variation 3345850 (VCV003345850.1).